The following is an entry in ClinVar:

NM_002474.3(MYH11):c.4400A>G (p.Tyr1467Cys)

Genes: NDE1 (nudE neurodevelopment protein 1; plus strand), MYH11 (myosin heavy chain 11; minus strand). Cytogenetic location: 16p13.11.
Variant type: single nucleotide variant.
Coding change: c.4400A>G on transcript NM_002474.3 (MANE Select); coding-DNA position 4400, A replaced by G.
Protein change: p.Tyr1467Cys; replaces tyrosine 1467 with cysteine.
Molecular consequence: missense variant. On other transcripts: intron variant (2).
Genome position (GRCh38, 1-based): chr16:15,721,600, T>C on the plus strand (A>G on the coding strand, the complement: MYH11 is on the minus strand). VCF-style: chr16-15721600-T-C. GRCh37 (hg19) VCF-style: chr16-15815457-T-C.
Other names: c.4421A>G, p.Tyr1474Cys (NM_001040113.2, NM_001040114.2); c.4400A>G, p.Tyr1467Cys (NM_022844.3); c.948-2591T>C (NM_001143979.2, NM_017668.3); short protein forms Y1467C, Y1474C.
Identifiers: ClinVar variation 4756950 (VCV004756950.1).
Genomic context (GRCh38, chr16:15,721,600, plus strand): 5'-GACAGGGCCTTGGTTTCCTTCTCCCTGGCTTCTGCCTCAGCTCTGTCCCTCTCATCCGCG[T>C]ATTTGGAAGAGATGTTTTTCTCCTCGGCTAACAACTACAACACAAGACCCAGAGGTGACT-3'
Protein context (NP_002465.1, residues 1457-1477): LAEEKNISSK[Tyr1467Cys]ADERDRAEAE

ClinVar aggregate classification (germline): Uncertain significance (1 of 4 stars; one submission).

Conditions:
Familial thoracic aortic aneurysm and aortic dissection (TAAD). Also called: Thoracic aortic aneurysms and dissections. Identifiers: Orphanet 91387, MedGen C4707243, MONDO:0019625.

Submission:

Color Diagnostics, LLC DBA Color Health
Classification: Uncertain significance for Familial thoracic aortic aneurysm and aortic dissection. Last evaluated: 2025-06-29. Review status: criteria provided, single submitter. Criteria: ACMG Guidelines, 2015. Collection method: clinical testing. Allele origin: germline.
Comment: This missense variant replaces tyrosine with cysteine at codon 1474 of the MYH11 protein. Computational prediction is inconclusive regarding the impact of this variant on protein structure and function. To our knowledge, functional studies have not been reported for this variant. This variant has not been reported in individuals affected with MYH11-related disorders in the literature. This variant has not been identified in the general population by the Genome Aggregation Database (gnomAD). The available evidence is insufficient to determine the role of this variant in disease conclusively. Therefore, this variant is classified as a Variant of Uncertain Significance.